The following is an entry in ClinVar:

NM_007315.4(STAT1):c.1127+1G>A

Gene: STAT1 (signal transducer and activator of transcription 1; minus strand). Cytogenetic location: 2q32.2.
Variant type: single nucleotide variant.
Coding change: c.1127+1G>A on transcript NM_007315.4 (MANE Select); the canonical splice donor site of the intron after coding-DNA position 1127, G replaced by A.
Molecular consequence: splice donor variant. On other transcripts: intron variant (1).
Genome position (GRCh38, 1-based): chr2:190,987,038, C>T on the plus strand (G>A on the coding strand, the complement: STAT1 is on the minus strand). VCF-style: chr2-190987038-C-T. GRCh37 (hg19) VCF-style: chr2-191851764-C-T.
Other names: c.1037+1G>A (NM_001384890.1); c.1028+1G>A (NM_001384883.1); c.968+1G>A (NM_001384885.1); c.1034+1G>A (NM_001384887.1); c.1067+1G>A (NM_001384880.1); c.1098-91G>A (NM_001384888.1); c.1127+1G>A (NM_001384882.1, NM_001384889.1, NM_001384886.1 and 1 more transcripts); c.1163+1G>A (NM_001384891.1); and 1 more.
Identifiers: ClinVar variation 2948670 (VCV002948670.3), dbSNP rs2470466154, ClinGen allele CA349919294.

ClinVar aggregate classification (germline): Pathogenic (1 of 4 stars; one submission).

Conditions:
Autoimmune enteropathy and endocrinopathy - susceptibility to chronic infections syndrome. Also called: Immunodeficiency 31C, autosomal dominant; Immunodeficiency 31C. Identifiers: Orphanet 391487, MedGen C3279990, MONDO:0013599, OMIM 614162.
Mendelian susceptibility to mycobacterial diseases due to partial STAT1 deficiency. Also called: IMMUNODEFICIENCY 31A, MYCOBACTERIOSIS, AUTOSOMAL DOMINANT; STAT1 DEFICIENCY, AUTOSOMAL DOMINANT; Immunodeficiency 31a. Identifiers: Orphanet 319595, MedGen C4013950, MONDO:0013956, OMIM 614892.
Immunodeficiency 31B. Also called: STAT1 DEFICIENCY, AUTOSOMAL RECESSIVE; IMMUNODEFICIENCY 31B, MYCOBACTERIAL AND VIRAL INFECTIONS, AUTOSOMAL RECESSIVE. Identifiers: Orphanet 391311, MedGen C3151088, MONDO:0013427, OMIM 613796.

Submission:

Labcorp Genetics (formerly Invitae), Labcorp
Classification: Pathogenic for Mendelian susceptibility to mycobacterial diseases due to partial STAT1 deficiency; Immunodeficiency 31B; Autoimmune enteropathy and endocrinopathy - susceptibility to chronic infections syndrome. Last evaluated: 2025-09-15. Review status: criteria provided, single submitter. Criteria: Invitae Variant Classification Sherloc (09022015). Collection method: clinical testing. Allele origin: germline.
Comment: This sequence change affects a donor splice site in intron 13 of the STAT1 gene. It is expected to disrupt RNA splicing. Variants that disrupt the donor or acceptor splice site typically lead to a loss of protein function (PMID: 16199547), and loss-of-function variants in STAT1 are known to be pathogenic (PMID: 22651901). This variant is not present in population databases (gnomAD no frequency). Disruption of this splice site has been observed in individual(s) with clinical features of STAT1-related conditions (PMID: 35976469). ClinVar contains an entry for this variant (Variation ID: 2948670). Algorithms developed to predict the effect of variants on gene product structure and function are not available or were not evaluated for this variant. Experimental studies have shown that disruption of this splice site affects STAT1 function (PMID: 35976469). Studies have shown that disruption of this splice site is associated with inconclusive levels of altered splicing (PMID: 35976469). For these reasons, this variant has been classified as Pathogenic.

Literature cited by the submitters: PubMed 16199547; PubMed 22651901; PubMed 35976469.